The following is an entry in ClinVar:

NM_014319.5(LEMD3):c.267G>A (p.Met89Ile)

Gene: LEMD3 (LEM domain containing 3; plus strand). Cytogenetic location: 12q14.3.
Variant type: single nucleotide variant.
Coding change: c.267G>A on transcript NM_014319.5 (MANE Select); coding-DNA position 267, G replaced by A.
Protein change: p.Met89Ile; replaces methionine 89 with isoleucine.
Molecular consequence: missense variant.
Genome position (GRCh38, 1-based): chr12:65,169,863, G>A. VCF-style: chr12-65169863-G-A. GRCh37 (hg19) VCF-style: chr12-65563643-G-A.
Other names: c.267G>A, p.Met89Ile (NM_001167614.2); short protein forms M89I.
Identifiers: ClinVar variation 3673836 (VCV003673836.2).

ClinVar aggregate classification (germline): Uncertain significance (1 of 4 stars; one submission).

gnomAD v4.1: 2 of 1,460,966 alleles (0.00014%); highest among the groups gnomAD compares: Admixed American, 0.0027%; no homozygotes.

Submission:

Labcorp Genetics (formerly Invitae), Labcorp
Classification: Uncertain significance. Last evaluated: 2024-03-07. Review status: criteria provided, single submitter. Criteria: Invitae Variant Classification Sherloc (09022015). Collection method: clinical testing. Allele origin: germline.
Comment: This sequence change replaces methionine, which is neutral and non-polar, with isoleucine, which is neutral and non-polar, at codon 89 of the LEMD3 protein (p.Met89Ile). This variant is present in population databases (no rsID available, gnomAD 0.005%). This variant has not been reported in the literature in individuals affected with LEMD3-related conditions. An algorithm developed to predict the effect of missense changes on protein structure and function (PolyPhen-2) suggests that this variant is likely to be tolerated. In summary, the available evidence is currently insufficient to determine the role of this variant in disease. Therefore, it has been classified as a Variant of Uncertain Significance.